The following is an entry in ClinVar:

NM_002691.4(POLD1):c.1171G>A (p.Asp391Asn)

Gene: POLD1 (DNA polymerase delta 1, catalytic subunit; plus strand). Cytogenetic location: 19q13.33.
Variant type: single nucleotide variant.
Coding change: c.1171G>A on transcript NM_002691.4 (MANE Select); coding-DNA position 1171, G replaced by A.
Protein change: p.Asp391Asn; replaces aspartic acid 391 with asparagine.
Molecular consequence: missense variant. On other transcripts: non-coding transcript variant (1).
Genome position (GRCh38, 1-based): chr19:50,403,526, G>A. VCF-style: chr19-50403526-G-A. GRCh37 (hg19) VCF-style: chr19-50906783-G-A.
Other names: c.1171G>A, p.Asp391Asn (NM_001256849.1, NM_001308632.1); c.1171G>A (NM_002691.2); short protein forms D391N.
Identifiers: ClinVar variation 537073 (VCV000537073.7), dbSNP rs1555790565, ClinGen allele CA406978494.

ClinVar aggregate classification (germline): Uncertain significance. Review status: criteria provided, multiple submitters, no conflicts (2 of 4 stars). 2 submissions from 2 submitters: Uncertain significance (2). Last evaluated 2025-07-28.

Conditions:
Hereditary cancer-predisposing syndrome. Also called: Tumor predisposition; Neoplastic Syndromes, Hereditary; Hereditary Cancer Syndrome; Hereditary neoplastic syndrome. Identifiers: Orphanet 140162, MedGen C0027672, MeSH D009386, MONDO:0015356.
POLD1-related polyposis and colorectal cancer syndrome (CRCS10). Also called: Colorectal cancer 10; COLORECTAL CANCER, SUSCEPTIBILITY TO, ON CHROMOSOME 19q; Colorectal cancer, susceptibility to, 10. Identifiers: Orphanet 220460, MedGen C2675481, MONDO:0012953, OMIM 612591.

Allele frequency attached by ClinVar (database versions not stated): gnomAD exomes below 0.00001.
gnomAD v4.1: 1 of 1,614,016 alleles (0.000062%); highest among the groups gnomAD compares: Non-Finnish European, 0.000085%; no homozygotes.

Submissions (2):

Labcorp Genetics (formerly Invitae), Labcorp
Classification: Uncertain significance for POLD1-related polyposis and colorectal cancer syndrome. Last evaluated: 2025-07-28. Review status: criteria provided, single submitter. Criteria: Invitae Variant Classification Sherloc (09022015). Collection method: clinical testing. Allele origin: germline.
Comment: This sequence change replaces aspartic acid, which is acidic and polar, with asparagine, which is neutral and polar, at codon 391 of the POLD1 protein (p.Asp391Asn). This variant is not present in population databases (gnomAD no frequency). This variant has not been reported in the literature in individuals affected with POLD1-related conditions. ClinVar contains an entry for this variant (Variation ID: 537073). Invitae Evidence Modeling of protein sequence and biophysical properties (such as structural, functional, and spatial information, amino acid conservation, physicochemical variation, residue mobility, and thermodynamic stability) indicates that this missense variant is expected to disrupt POLD1 protein function with a positive predictive value of 80%. In summary, the available evidence is currently insufficient to determine the role of this variant in disease. Therefore, it has been classified as a Variant of Uncertain Significance.

Ambry Genetics
Classification: Uncertain significance for Hereditary cancer-predisposing syndrome. Last evaluated: 2024-03-26. Review status: criteria provided, single submitter. Criteria: Ambry Variant Classification Scheme 2023. Collection method: clinical testing. Allele origin: germline.
Comment: The p.D391N variant (also known as c.1171G>A), located in coding exon 9 of the POLD1 gene, results from a G to A substitution at nucleotide position 1171. The aspartic acid at codon 391 is replaced by asparagine, an amino acid with highly similar properties. This amino acid position is highly conserved in available vertebrate species. In addition, this alteration is predicted to be tolerated by in silico analysis. Based on the available evidence, the clinical significance of this alteration remains unclear.